The following is an entry in ClinVar:

ClinVar aggregate classification (germline): Uncertain significance (1 of 4 stars; one submission).

Submission:

GeneDx
Classification: Uncertain significance. Last evaluated: 2024-02-14. Review status: criteria provided, single submitter. Criteria: GeneDx Variant Classification Process June 2021. Collection method: clinical testing. Allele origin: germline. Affected: yes.
Comment: Not observed at significant frequency in large population cohorts (gnomAD); In silico analysis supports that this missense variant does not alter protein structure/function; Has not been previously published as pathogenic or benign to our knowledge

NM_001077653.2(TBX20):c.722C>T (p.Ala241Val)

Gene: TBX20 (T-box transcription factor 20; minus strand). Cytogenetic location: 7p14.2.
Variant type: single nucleotide variant.
Coding change: c.722C>T on transcript NM_001077653.2 (MANE Select); coding-DNA position 722, C replaced by T.
Protein change: p.Ala241Val; replaces alanine 241 with valine.
Molecular consequence: missense variant.
Genome position (GRCh38, 1-based): chr7:35,240,970, G>A on the plus strand (C>T on the coding strand, the complement: TBX20 is on the minus strand). VCF-style: chr7-35240970-G-A. GRCh37 (hg19) VCF-style: chr7-35280582-G-A.
Other names: c.722C>T, p.Ala241Val (NM_001166220.1); short protein forms A241V.
Identifiers: ClinVar variation 3368985 (VCV003368985.1).